The following is an entry in ClinVar:

ClinVar aggregate classification (germline): Likely pathogenic (1 of 4 stars; one submission).

Conditions:
Nephronophthisis. Also called: Juvenile Nephronophthisis. Identifiers: Orphanet 655, MedGen C0687120, MONDO:0019005, HP:0000090.

Submission:

Labcorp Genetics (formerly Invitae), Labcorp
Classification: Likely pathogenic for Nephronophthisis. Last evaluated: 2020-08-09. Review status: criteria provided, single submitter. Criteria: Invitae Variant Classification Sherloc (09022015). Collection method: clinical testing. Allele origin: germline.
Comment: This sequence change results in a frameshift in the INVS gene (p.Gln1035Argfs*71). While this is not anticipated to result in nonsense mediated decay, it is expected to disrupt the last 31 amino acids of the INVS protein and extend the protein by an additional 39 amino acids. This variant is not present in population databases (ExAC no frequency). This variant has been observed in individual(s) with clinical features of nephronophthisis (Invitae). In at least one individual the data is consistent with the variant being in trans (on the opposite chromosome) from a pathogenic variant. This variant results in an extension of the INVS protein. Other variant(s) that result in a similarly extended protein product (p.Asn1042Thrfs*64) have been observed in individuals with INVS-related conditions (PMID: 23559409). This suggests that these extensions may be clinically significant. In summary, the currently available evidence indicates that the variant is pathogenic, but additional data are needed to prove that conclusively. Therefore, this variant has been classified as Likely Pathogenic.

Literature cited by the submitters: PubMed 23559409.

NM_014425.5(INVS):c.3104del (p.Gln1035fs)

Gene: INVS (inversin; plus strand). Cytogenetic location: 9q31.1.
Variant type: Deletion.
Coding change: c.3104del on transcript NM_014425.5 (MANE Select); coding-DNA position 3104, one base deleted (A; older notation c.3104delA).
Protein change: p.Gln1035fs; shifts the reading frame from glutamine 1035.
Molecular consequence: frameshift variant. On other transcripts: non-coding transcript variant (1).
Genome position (GRCh38, 1-based): chr9:100,300,580, A deleted. VCF-style (leftmost placement, unchanged base first): chr9-100300579-CA-C. GRCh37 (hg19) VCF-style: chr9-103062861-CA-C.
Other names: c.2816del, p.Gln939fs (NM_001318381.2); c.2126del, p.Gln709fs (NM_001318382.2); short protein forms Q1035fs, Q709fs, Q939fs.
Identifiers: ClinVar variation 1066805 (VCV001066805.9), dbSNP rs2118799345, ClinGen allele CA2499219508.
Genomic context (GRCh38, chr9:100,300,579, plus strand): 5'-GCCTTAAAATTAATAACCTTAATATCTATCTGGTATTTGTTTTTAACAGTGAGCAACCTA[CA>C]GTGTATACATCTCCTTGAGAACAGTGGAAGATCAAAGAACTTTTCTTATAACCTGCAATC-3'